The following is an entry in ClinVar:

NM_000264.5(PTCH1):c.3623C>T (p.Ala1208Val)

Gene: PTCH1 (patched 1; minus strand). Cytogenetic location: 9q22.32.
Variant type: single nucleotide variant.
Coding change: c.3623C>T on transcript NM_000264.5 (MANE Select); coding-DNA position 3623, C replaced by T.
Protein change: p.Ala1208Val; replaces alanine 1208 with valine.
Molecular consequence: missense variant. On other transcripts: non-coding transcript variant (1).
Genome position (GRCh38, 1-based): chr9:95,449,250, G>A on the plus strand (C>T on the coding strand, the complement: PTCH1 is on the minus strand). VCF-style: chr9-95449250-G-A. GRCh37 (hg19) VCF-style: chr9-98211532-G-A.
Other names: c.3425C>T, p.Ala1142Val (NM_001083602.3); c.3620C>T, p.Ala1207Val (NM_001083603.3); c.3170C>T, p.Ala1057Val (NM_001083604.3, NM_001083605.3, NM_001083606.3 and 1 more transcripts); c.3467C>T, p.Ala1156Val (NM_001354918.2); short protein forms A1208V, A1142V, A1156V, A1207V, A1057V.
Identifiers: ClinVar variation 824004 (VCV000824004.15), dbSNP rs914090288, ClinGen allele CA196566462.
Genomic context (GRCh38, chr9:95,449,250, plus strand): 5'-TGGGAACTATACTCCGAGTCGGAGGAATCAGACCCGCTGTGCGTGTGGCCGGGCGGCATG[G>A]CGAAGCGGACCACGCTGGGGGGTGGCTCAGGGGAGGGTGTGGGCAGGCGGTTCAAGCCGT-3'
Protein context (NP_000255.2, residues 1198-1218): PEPPPSVVRF[Ala1208Val]MPPGHTHSGS

ClinVar aggregate classification (germline): Conflicting classifications of pathogenicity. Review status: criteria provided, conflicting classifications (1 of 4 stars). 4 submissions from 4 submitters: Uncertain significance (3); Benign (1). Last evaluated 2026-07-20.

Conditions:
PTCH1-related disorder. Also called: PTCH1-related disorders; PTCH1-related condition.
Hereditary cancer-predisposing syndrome. Also called: Neoplastic Syndromes, Hereditary; Hereditary Cancer Syndrome; Tumor predisposition; Hereditary neoplastic syndrome. Identifiers: Orphanet 140162, MedGen C0027672, MeSH D009386, MONDO:0015356.
Gorlin syndrome. Also called: Basal cell nevus syndrome; Nevoid Basal Cell Carcinoma Syndrome. Identifiers: Orphanet 377, MedGen C0004779, MONDO:0007187.

Allele frequency attached by ClinVar (database versions not stated): gnomAD exomes 0.00001; gnomAD 0.00002; TOPMed 0.00002.
gnomAD v4.1: 5 of 1,574,926 alleles (0.00032%); highest among the groups gnomAD compares: East Asian, 0.0046%; no homozygotes.

Submissions (4):

PreventionGenetics, part of Exact Sciences
Classification: Uncertain significance for PTCH1-related condition. Last evaluated: 2026-07-20. Review status: criteria provided, single submitter. Criteria: ACMG Guidelines, 2015. Collection method: clinical testing. Allele origin: germline.
Comment: The PTCH1 c.3623C>T variant is predicted to result in the amino acid substitution p.Ala1208Val. To our knowledge, this variant has not been reported in the literature. This variant is reported in 0.0073% of alleles in individuals of East Asian descent in gnomAD. At this time, the clinical significance of this variant is uncertain due to the absence of conclusive functional and genetic evidence.

Labcorp Genetics (formerly Invitae), Labcorp
Classification: Benign for Gorlin syndrome. Last evaluated: 2025-12-13. Review status: criteria provided, single submitter. Criteria: Invitae Variant Classification Sherloc (09022015). Collection method: clinical testing. Allele origin: germline.

Ambry Genetics
Classification: Uncertain significance for Hereditary cancer-predisposing syndrome. Last evaluated: 2024-08-18. Review status: criteria provided, single submitter. Criteria: Ambry Variant Classification Scheme 2023. Collection method: clinical testing. Allele origin: germline.
Comment: The p.A1208V variant (also known as c.3623C>T), located in coding exon 22 of the PTCH1 gene, results from a C to T substitution at nucleotide position 3623. The alanine at codon 1208 is replaced by valine, an amino acid with similar properties. This amino acid position is not well conserved in available vertebrate species. In addition, this alteration is predicted to be tolerated by in silico analysis. Since supporting evidence is limited at this time, the clinical significance of this alteration remains unclear.

GeneDx
Classification: Uncertain significance. Last evaluated: 2024-03-01. Review status: criteria provided, single submitter. Criteria: GeneDx Variant Classification Process June 2021. Collection method: clinical testing. Allele origin: germline. Affected: yes.
Comment: Not observed at significant frequency in large population cohorts (gnomAD); In silico analysis supports that this missense variant does not alter protein structure/function; Has not been previously published as pathogenic or benign to our knowledge